The following continues an entry in ClinVar:

NM_007294.4(BRCA1):c.4222C>T (p.Gln1408Ter)

Gene: BRCA1. ClinVar aggregate classification (germline): Pathogenic. Pathogenic (1).

Submissions 10 to 22 of 22:

Ambry Genetics
Classification: Pathogenic for Hereditary cancer-predisposing syndrome. Last evaluated: 2023-02-21. Review status: criteria provided, single submitter. Criteria: Ambry Variant Classification Scheme 2023. Collection method: clinical testing. Allele origin: germline. Not counted in ClinVar's aggregate classification.
Comment: The p.Q1408* pathogenic mutation (also known as c.4222C>T), located in coding exon 11 of the BRCA1 gene, results from a C to T substitution at nucleotide position 4222. This changes the amino acid from a glutamine to a stop codon within coding exon 11. This mutation was first reported in 1/798 individuals from a multi-center study of persons thought to be at elevated a priori risk for a BRCA1 mutation based on personal and/or family history (Shattuck-Eidens D et al. JAMA. 1997 Oct;278:1242-50). It was also detected in 3/989 unrelated individuals from a cohort of German breast and/or ovarian cancer families. These 3 individuals came from particularly high-risk families with two or more cases of breast cancer, including at least two cases with an age of onset under 50 years (Meindl A et al. Int. J. Cancer. 2002 Feb;97:472-80). The p.Q1408* pathogenic variant has also been reported in several Chinese patients with breast and/or ovarian cancer (Bhaskaran SP et al. Int. J. Cancer. 2019 08;145:962-973). Of note, this alteration is also designated as 4341C>T in some published literature. In addition to the clinical data presented in the literature, this alteration is expected to result in loss of function by premature protein truncation or nonsense-mediated mRNA decay. As such, this alteration is interpreted as a disease-causing mutation.

GeneDx
Classification: Pathogenic. Last evaluated: 2023-01-18. Review status: criteria provided, single submitter. Criteria: GeneDx Variant Classification Process June 2021. Collection method: clinical testing. Allele origin: germline. Affected: yes. Not counted in ClinVar's aggregate classification.
Comment: Nonsense variant predicted to result in protein truncation or nonsense mediated decay in a gene for which loss-of-function is a known mechanism of disease; Observed in individuals with a personal or family history consistent with pathogenic variants in this gene (Shattuck-Eidens et al., 1997; Dong et al., 1998; Meindl et al., 2002; Borg et al., 2010); Truncating variants in this gene are considered pathogenic by a well-established clinical consortium and/or database; Not observed at a significant frequency in large population cohorts (gnomAD); Also known as 4341C>T; This variant is associated with the following publications: (PMID: 9760198, 19340607, 29922827, 28888541, 9333265, 20104584, 22009639, 21993507, 26269718, 19941162, 11802209, 27433846, 21465171, 18824701, 16267036, 30702160, 29446198, 30720243, 25525159, 31825140, 32341426)

Quest Diagnostics Nichols Institute San Juan Capistrano
Classification: Pathogenic. Last evaluated: 2022-09-02. Review status: criteria provided, single submitter. Criteria: Quest Diagnostics criteria. Collection method: clinical testing. Allele origin: unknown. Not counted in ClinVar's aggregate classification.
Comment: This nonsense variant causes the premature termination of BRCA1 protein synthesis. The frequency of this variant in the general population, 0.0000088 (1/113696 chromosomes), is consistent with pathogenicity. In the published literature, the variant has been reported in individuals affected with breast cancer (PMID: 28724667 (2017), 32341426 (2020), 33302456 (2020)) and prostate cancer (PMID: 27433846 (2016), 29625052 (2018)). Based on the available information, this variant is classified as pathogenic.

Blueprint Genetics
Classification: Pathogenic for BRCA1-related disorders. Last evaluated: 2021-04-08. Review status: criteria provided, single submitter. Criteria: ACMG Guidelines, 2015. Collection method: clinical testing. Allele origin: germline. Affected: yes. Observed: 1 variant allele. Not counted in ClinVar's aggregate classification.

Institute of Medical Genetics and Applied Genomics, University Hospital Tübingen
Classification: Pathogenic. Last evaluated: 2020-10-23. Review status: criteria provided, single submitter. Criteria: ACMG Guidelines, 2015. Collection method: clinical testing. Allele origin: germline. Inheritance: Autosomal unknown. Affected: yes. Not counted in ClinVar's aggregate classification.

Consortium of Investigators of Modifiers of BRCA1/2 (CIMBA), c/o University of Cambridge
Classification: Pathogenic for Breast-ovarian cancer, familial, susceptibility to, 1. Last evaluated: 2015-10-02. Review status: criteria provided, single submitter. Criteria: CIMBA Mutation Classification guidelines May 2016. Collection method: clinical testing. Allele origin: germline. Not counted in ClinVar's aggregate classification.

Laboratory for Molecular Medicine, Mass General Brigham Personalized Medicine
Classification: Pathogenic for Hereditary breast ovarian cancer syndrome. Last evaluated: 2015-03-23. Review status: criteria provided, single submitter. Criteria: LMM Criteria. Collection method: clinical testing. Allele origin: germline. Inheritance: Autosomal dominant inheritance. Observed: 2 variant alleles. Not counted in ClinVar's aggregate classification.
Comment: The p.Gln1408X variant in BRCA1 has been previously reported in 2 women with bre ast and/or ovarian cancer and was found to segregate with disease in 6 affected members of 1 family with BRCA1-associated cancer, including 2 obligate carriers (Shattuck-Eidens 1997, Dong 1998). It has not been identified in large populatio n studies. This nonsense variant leads to a premature termination codon at posit ion 1408, which is predicted to lead to a truncated or absent protein. Heterozyg ous loss of BRCA1 function is an established disease mechanism in hereditary bre ast and ovarian cancer (HBOC). In summary, this variant meets our criteria to be classified as pathogenic for HBOC in an autosomal dominant manner based upon th e predicted impact to the protein, absence from controls, and segregation studie s.

Eurofins Ntd Llc (ga)
Classification: Pathogenic. Last evaluated: 2014-09-11. Review status: criteria provided, single submitter. Criteria: EGL Classification Definitions 2015. Collection method: clinical testing. Allele origin: germline. Not counted in ClinVar's aggregate classification.

German Consortium for Hereditary Breast and Ovarian Cancer, University Hospital Cologne
Classification: Pathogenic for Ovarian neoplasm. Last evaluated: 2018-12-01. Review status: no assertion criteria provided. Collection method: research. Allele origin: germline. Affected: yes. Not counted in ClinVar's aggregate classification.

Counsyl
Classification: Pathogenic for Breast-ovarian cancer, familial, susceptibility to, 1. Last evaluated: 2016-01-19. Review status: no assertion criteria provided. Collection method: clinical testing. Allele origin: unknown. Not counted in ClinVar's aggregate classification.

Research Molecular Genetics Laboratory, Women's College Hospital, University of Toronto
Classification: Pathogenic for Hereditary breast ovarian cancer syndrome. Last evaluated: 2014-01-31. Review status: no assertion criteria provided. Collection method: research. Allele origin: germline. Affected: yes. Study: The Canadian Open Genetics Repository (COGR). Not counted in ClinVar's aggregate classification.

Sharing Clinical Reports Project (SCRP)
Classification: Pathogenic for Breast-ovarian cancer, familial 1. Last evaluated: 2011-03-31. Review status: no assertion criteria provided. Collection method: clinical testing. Allele origin: germline. Not counted in ClinVar's aggregate classification.

Breast Cancer Information Core (BIC) (BRCA1)
Classification: Pathogenic for Breast-ovarian cancer, familial 1. Last evaluated: 2002-05-29. Review status: no assertion criteria provided. Collection method: clinical testing. Allele origin: germline. Affected: yes. Observed: 17 variant alleles. Not counted in ClinVar's aggregate classification.

Literature cited by the submitters: PubMed 20104584 (cited by 3 submitters); PubMed 9333265 (cited by 7 submitters); PubMed 9760198 (cited by 6 submitters); PubMed 22009639 (cited by 3 submitters); PubMed 11802209 (cited by 4 submitters); PubMed 27433846 (cited by 3 submitters); PubMed 30702160 (cited by Center for Genomic Medicine, Rigshospitalet, Copenhagen University Hospital and Ambry Genetics); PubMed 16267036 (cited by Women's Health and Genetics/Laboratory Corporation of America, LabCorp); PubMed 18824701 (cited by Women's Health and Genetics/Laboratory Corporation of America, LabCorp and Counsyl); PubMed 19941162 (cited by Women's Health and Genetics/Laboratory Corporation of America, LabCorp); PubMed 21465171 (cited by Women's Health and Genetics/Laboratory Corporation of America, LabCorp); PubMed 31209999 (cited by Quest Diagnostics Nichols Institute San Juan Capistrano); PubMed 32856869 (cited by Quest Diagnostics Nichols Institute San Juan Capistrano); PubMed 33302456 (cited by Quest Diagnostics Nichols Institute San Juan Capistrano); PubMed 28724667 (cited by Quest Diagnostics Nichols Institute San Juan Capistrano); PubMed 29625052 (cited by Quest Diagnostics Nichols Institute San Juan Capistrano); PubMed 30720243 (cited by Quest Diagnostics Nichols Institute San Juan Capistrano); PubMed 31825140 (cited by Quest Diagnostics Nichols Institute San Juan Capistrano); PubMed 32341426 (cited by Quest Diagnostics Nichols Institute San Juan Capistrano); PubMed 25525159 (cited by Counsyl).